The following is an entry in ClinVar:

NM_001297.5(CNGB1):c.1658C>A (p.Ala553Glu)

Gene: CNGB1 (cyclic nucleotide gated channel subunit beta 1; minus strand). Cytogenetic location: 16q21.
Variant type: single nucleotide variant.
Coding change: c.1658C>A on transcript NM_001297.5 (MANE Select); coding-DNA position 1658, C replaced by A.
Protein change: p.Ala553Glu; replaces alanine 553 with glutamic acid.
Molecular consequence: missense variant.
Genome position (GRCh38, 1-based): chr16:57,920,530, G>T on the plus strand (C>A on the coding strand, the complement: CNGB1 is on the minus strand). VCF-style: chr16-57920530-G-T. GRCh37 (hg19) VCF-style: chr16-57954434-G-T.
Other names: c.1640C>A, p.Ala547Glu (NM_001286130.2); short protein forms A547E, A553E.
Identifiers: ClinVar variation 1048155 (VCV001048155.4), dbSNP rs374424738, ClinGen allele CA8083335.

ClinVar aggregate classification (germline): Conflicting classifications of pathogenicity. Review status: criteria provided, conflicting classifications (1 of 4 stars). 2 submissions from 2 submitters: Likely pathogenic (1); Uncertain significance (1). Last evaluated 2022-11-01.

Conditions:
Retinitis pigmentosa 45 (RP45). Identifiers: Orphanet 791, MedGen C3151066, MONDO:0013413, OMIM 613767.

Allele frequency attached by ClinVar (database versions not stated): ESP Exome Variant Server 0.00016; TOPMed 0.00025.
gnomAD v4.1: 16 of 1,612,824 alleles (0.00099%); highest among the groups gnomAD compares: Non-Finnish European, 0.00051%; no homozygotes.

Submissions (2):

Labcorp Genetics (formerly Invitae), Labcorp
Classification: Uncertain significance. Last evaluated: 2022-11-01. Review status: criteria provided, single submitter. Criteria: Invitae Variant Classification Sherloc (09022015). Collection method: clinical testing. Allele origin: germline.
Comment: In summary, the available evidence is currently insufficient to determine the role of this variant in disease. Therefore, it has been classified as a Variant of Uncertain Significance. Advanced modeling of protein sequence and biophysical properties (such as structural, functional, and spatial information, amino acid conservation, physicochemical variation, residue mobility, and thermodynamic stability) performed at Invitae indicates that this missense variant is not expected to disrupt CNGB1 protein function. ClinVar contains an entry for this variant (Variation ID: 1048155). This variant has not been reported in the literature in individuals affected with CNGB1-related conditions. This variant is present in population databases (rs374424738, gnomAD 0.002%). This sequence change replaces alanine, which is neutral and non-polar, with glutamic acid, which is acidic and polar, at codon 553 of the CNGB1 protein (p.Ala553Glu).

Institute of Medical Molecular Genetics, University of Zurich
Classification: Likely pathogenic for Retinitis pigmentosa 45. Last evaluated: 2021-01-30. Review status: criteria provided, single submitter. Criteria: ACMG Guidelines, 2015. Collection method: clinical testing. Allele origin: unknown. Affected: yes.